The following is an entry in ClinVar:

ClinVar aggregate classification (germline): Uncertain significance (1 of 4 stars; one submission).

gnomAD v4.1: 1 of 1,429,216 alleles (0.00007%); highest among the groups gnomAD compares: South Asian, 0.0015%; no homozygotes.

Submission:

GeneDx
Classification: Uncertain significance. Last evaluated: 2024-12-13. Review status: criteria provided, single submitter. Criteria: GeneDx Variant Classification Process June 2021. Collection method: clinical testing. Allele origin: germline. Affected: yes.
Comment: Not observed at significant frequency in large population cohorts (gnomAD); Has not been previously published as pathogenic or benign to our knowledge; In silico analysis is inconclusive therefore the effect of this variant on protein structure/function is unknown.

NM_019066.5(MAGEL2):c.1277G>A (p.Gly426Asp)

Gene: MAGEL2 (MAGE family member L2; minus strand). Cytogenetic location: 15q11.2.
Variant type: single nucleotide variant.
Coding change: c.1277G>A on transcript NM_019066.5 (MANE Select); coding-DNA position 1277, G replaced by A.
Protein change: p.Gly426Asp; replaces glycine 426 with aspartic acid.
Molecular consequence: missense variant.
Genome position (GRCh38, 1-based): chr15:23,646,466, C>T on the plus strand (G>A on the coding strand, the complement: MAGEL2 is on the minus strand). VCF-style: chr15-23646466-C-T. GRCh37 (hg19) VCF-style: chr15-23891613-C-T.
Other names: short protein forms G426D.
Identifiers: ClinVar variation 3903420 (VCV003903420.1).
Genomic context (GRCh38, chr15:23,646,466, plus strand): 5'-TGGCGGATCACCGGTGGGGCCTGGCGGATCAGCGGTGGGGCCTGTCGCACCGGTGGTGGG[C>T]CAGGGCGGATGGGTGGTGGGCCAGGGCGGATGGGCGGGGGCCCCTGGCGCATGGGCGGCG-3'
Protein context (NP_061939.3, residues 416-436): IRPGPPPIRP[Gly426Asp]PPPVRQAPPL